The following is an entry in ClinVar:

NM_001003800.2(BICD2):c.355C>A (p.Leu119Ile)

Gene: BICD2 (BICD cargo adaptor 2; minus strand). Cytogenetic location: 9q22.31.
Variant type: single nucleotide variant.
Coding change: c.355C>A on transcript NM_001003800.2 (MANE Select); coding-DNA position 355, C replaced by A.
Protein change: p.Leu119Ile; replaces leucine 119 with isoleucine.
Molecular consequence: missense variant.
Genome position (GRCh38, 1-based): chr9:92,729,122, G>T on the plus strand (C>A on the coding strand, the complement: BICD2 is on the minus strand). VCF-style: chr9-92729122-G-T. GRCh37 (hg19) VCF-style: chr9-95491404-G-T.
Other names: p.Leu119Ile; c.355C>A, p.Leu119Ile (NM_015250.4); short protein forms L119I.
Identifiers: ClinVar variation 424580 (VCV000424580.13), dbSNP rs377156663, ClinGen allele CA5126835.

ClinVar aggregate classification (germline): Conflicting classifications of pathogenicity. Review status: criteria provided, conflicting classifications (1 of 4 stars). 3 submissions from 3 submitters: Uncertain significance (1); Likely benign (2). Last evaluated 2025-11-01.

Conditions:
Autosomal dominant childhood-onset proximal spinal muscular atrophy with contractures (SMALED2A). Also called: Spinal muscular atrophy, lower extremity-predominant, 2A, autosomal dominant; SPINAL MUSCULAR ATROPHY, LOWER EXTREMITY-PREDOMINANT, 2A, CHILDHOOD ONSET, AUTOSOMAL DOMINANT. Identifiers: Orphanet 363447, Orphanet 363454, MedGen C4747715, MONDO:0014121, OMIM 615290.

Allele frequency attached by ClinVar (database versions not stated): gnomAD 0.00003; TOPMed 0.00002; ExAC 0.00002; gnomAD exomes 0.00002; ESP Exome Variant Server 0.00008.
gnomAD v4.1: 27 of 1,614,130 alleles (0.0017%); highest among the groups gnomAD compares: Non-Finnish European, 0.0021%; no homozygotes.

Submissions (3):

Mayo Clinic Laboratories, Mayo Clinic
Classification: Likely benign. Last evaluated: 2025-11-01. Review status: criteria provided, single submitter. Criteria: ACMG Guidelines, 2015. Collection method: clinical testing. Allele origin: germline. Observed: 1 variant allele.
Comment: BS2, BP4

Labcorp Genetics (formerly Invitae), Labcorp
Classification: Likely benign for Autosomal dominant childhood-onset proximal spinal muscular atrophy with contractures. Last evaluated: 2023-11-30. Review status: criteria provided, single submitter. Criteria: Invitae Variant Classification Sherloc (09022015). Collection method: clinical testing. Allele origin: germline.

GeneDx
Classification: Uncertain significance. Last evaluated: 2017-03-31. Review status: criteria provided, single submitter. Criteria: GeneDx Variant Classification (06012015). Collection method: clinical testing. Allele origin: germline. Affected: yes.
Comment: The L119I variant has not been published as a pathogenic variant, nor has it been reported as a benign variant to our knowledge. The L119I variant is not observed at a significant frequency in large population cohorts (Lek et al., 2016; 1000 Genomes Consortium et al., 2015; Exome Variant Server). This variant is a conservative amino acid substitution, which is not likely to impact secondary protein structure as these residues share similar properties. However, this substitution occurs at a position that is conserved across species, and in silico analysis is inconsistent in its predictions as to whether or not the variant is damaging to the protein structure/function.